The following is an entry in ClinVar:

NM_001927.4(DES):c.1147C>T (p.Arg383Cys)

Gene: DES (desmin; plus strand). Cytogenetic location: 2q35.
Variant type: single nucleotide variant.
Coding change: c.1147C>T on transcript NM_001927.4 (MANE Select); coding-DNA position 1147, C replaced by T.
Protein change: p.Arg383Cys; replaces arginine 383 with cysteine.
Molecular consequence: missense variant.
Genome position (GRCh38, 1-based): chr2:219,421,463, C>T. VCF-style: chr2-219421463-C-T. GRCh37 (hg19) VCF-style: chr2-220286185-C-T.
Other names: short protein forms R383C.
Identifiers: ClinVar variation 840964 (VCV000840964.14), dbSNP rs748945548, ClinGen allele CA2125248.

ClinVar aggregate classification (germline): Uncertain significance. Review status: criteria provided, multiple submitters, no conflicts (2 of 4 stars). 5 submissions from 5 submitters: Uncertain significance (3). 2 of the submissions do not count toward it. Last evaluated 2025-12-11.

Conditions:
Desmin-related myofibrillar myopathy (MFM1). Also called: Desminopathy; MYOFIBRILLAR MYOPATHY WITH ARRHYTHMOGENIC RIGHT VENTRICULAR CARDIOMYOPATHY; DESMIN-RELATED MYOPATHY WITH ARRHYTHMOGENIC RIGHT VENTRICULAR CARDIOMYOPATHY; Desmin related myopathy (former name); Desmin storage myopathy (former name); Myofibrillar myopathy 1. Identifiers: Orphanet 363543, Orphanet 98909, MedGen C1832370, MONDO:0011076, OMIM 601419.

Allele frequency attached by ClinVar (database versions not stated): gnomAD exomes 0.00001 and 0.00003; ExAC 0.00002; gnomAD 0.00001.
gnomAD v4.1: 18 of 1,613,964 alleles (0.0011%); highest among the groups gnomAD compares: African/African-American, 0.0013%; no homozygotes.

Submissions (5):

Women's Health and Genetics/Laboratory Corporation of America, LabCorp
Classification: Uncertain significance. Last evaluated: 2025-12-11. Review status: criteria provided, single submitter. Criteria: LabCorp Variant Classification Summary - May 2015. Collection method: clinical testing. Allele origin: germline.
Comment: Variant summary: DES c.1147C>T (p.Arg383Cys) results in a non-conservative amino acid change located in the Intermediate filament, rod domain (IPR039008) of the encoded protein sequence. Algorithms developed to predict the effect of missense changes on protein structure and function all suggest that this variant is likely to be disruptive. The variant allele was found at a frequency of 2.8e-05 in 251440 control chromosomes. The available data on variant occurrences in the general population are insufficient to allow any conclusion about variant significance. To our knowledge, no occurrence of c.1147C>T in individuals affected with DES-related conditions and no experimental evidence demonstrating its impact on protein function have been reported. ClinVar contains an entry for this variant (Variation ID: 840964). Based on the evidence outlined above, the variant was classified as uncertain significance.

Labcorp Genetics (formerly Invitae), Labcorp
Classification: Uncertain significance for Desmin-related myofibrillar myopathy. Last evaluated: 2025-07-22. Review status: criteria provided, single submitter. Criteria: Invitae Variant Classification Sherloc (09022015). Collection method: clinical testing. Allele origin: germline.
Comment: This sequence change replaces arginine, which is basic and polar, with cysteine, which is neutral and slightly polar, at codon 383 of the DES protein (p.Arg383Cys). This variant is present in population databases (rs748945548, gnomAD 0.009%). This variant has not been reported in the literature in individuals affected with DES-related conditions. ClinVar contains an entry for this variant (Variation ID: 840964). Invitae Evidence Modeling of protein sequence and biophysical properties (such as structural, functional, and spatial information, amino acid conservation, physicochemical variation, residue mobility, and thermodynamic stability) has been performed for this missense variant. However, the output from this modeling did not meet the statistical confidence thresholds required to predict the impact of this variant on DES protein function. In summary, the available evidence is currently insufficient to determine the role of this variant in disease. Therefore, it has been classified as a Variant of Uncertain Significance.

Blueprint Genetics
Classification: Uncertain significance. Last evaluated: 2021-08-26. Review status: criteria provided, single submitter. Criteria: ACMG Guidelines, 2015. Collection method: clinical testing. Allele origin: germline.

Diagnostic Laboratory, Department of Genetics, University Medical Center Groningen
Classification: Uncertain significance. Review status: no assertion criteria provided. Collection method: clinical testing. Allele origin: germline. Affected: yes. Study: VKGL Data-share Consensus. Not counted in ClinVar's aggregate classification.

Joint Genome Diagnostic Labs from Nijmegen and Maastricht, Radboudumc and MUMC+
Classification: Uncertain significance. Review status: no assertion criteria provided. Collection method: clinical testing. Allele origin: germline. Affected: yes. Study: VKGL Data-share Consensus. Not counted in ClinVar's aggregate classification.